The following is an entry in ClinVar:

ClinVar aggregate classification (germline): Pathogenic (1 of 4 stars; one submission).

Conditions:
Lamb-Shaffer syndrome. Identifiers: Orphanet 313884, Orphanet 313892, Orphanet 530983, MedGen C4225202, MONDO:0014778, OMIM 616803.

Submission:

Laboratoire Génétique Moléculaire, CHRU TOURS
Classification: Pathogenic for Lamb-Shaffer syndrome. Last evaluated: 2024-10-16. Review status: criteria provided, single submitter. Criteria: ACMG Guidelines, 2015. Collection method: clinical testing. Allele origin: de novo. Affected: yes.
Comment: PVS1;PS2;PM2;PP4

NM_006940.6(SOX5):c.1489del

Gene: SOX5 (SRY-box transcription factor 5; minus strand). Cytogenetic location: 12p12.1.
Variant type: Deletion.
Coding change: c.1489del on transcript NM_006940.6 (MANE Select); coding-DNA position 1489, one base deleted (G; older notation c.1489delG).
Molecular consequence: splice acceptor variant.
Genome position (GRCh38, 1-based): chr12:23,546,424, C deleted on the plus strand (G on the coding strand, the reverse complement: SOX5 is on the minus strand); the first of 2 consecutive C bases (chr12:23,546,424-23,546,425); deleting either gives the same sequence. VCF-style (leftmost placement, unchanged base first): chr12-23546423-TC-T. GRCh37 (hg19) VCF-style: chr12-23699357-TC-T.
Identifiers: ClinVar variation 4294385 (VCV004294385.1).